The following is an entry in ClinVar:

ClinVar aggregate classification (germline): Uncertain significance (0 of 4 stars; one submission).

Conditions:
NOTCH2-related disorder. Also called: NOTCH2-related condition.

Allele frequency attached by ClinVar (database versions not stated): gnomAD exomes below 0.00001; ExAC 0.00002; gnomAD 0.00002.
gnomAD v4.1: 7 of 1,614,014 alleles (0.00043%); highest among the groups gnomAD compares: South Asian, 0.0033%; no homozygotes.

Submission:

PreventionGenetics, part of Exact Sciences
Classification: Uncertain significance for NOTCH2-related condition. Last evaluated: 2023-10-21. Review status: no assertion criteria provided. Collection method: clinical testing. Allele origin: germline.
Comment: The NOTCH2 c.6794A>G variant is predicted to result in the amino acid substitution p.Asn2265Ser. To our knowledge, this variant has not been reported in the literature. This variant is reported in 0.0050% of alleles in individuals of East Asian descent in gnomAD. At this time, the clinical significance of this variant is uncertain due to the absence of conclusive functional and genetic evidence.

NM_024408.4(NOTCH2):c.6794A>G (p.Asn2265Ser)

Gene: NOTCH2 (notch receptor 2; minus strand). Cytogenetic location: 1p12.
Variant type: single nucleotide variant.
Coding change: c.6794A>G on transcript NM_024408.4 (MANE Select); coding-DNA position 6794, A replaced by G.
Protein change: p.Asn2265Ser; replaces asparagine 2265 with serine.
Molecular consequence: missense variant.
Genome position (GRCh38, 1-based): chr1:119,915,928, T>C on the plus strand (A>G on the coding strand, the complement: NOTCH2 is on the minus strand). VCF-style: chr1-119915928-T-C. GRCh37 (hg19) VCF-style: chr1-120458551-T-C.
Other names: short protein forms N2265S.
Identifiers: ClinVar variation 3048453 (VCV003048453.2), dbSNP rs751079146, ClinGen allele CA1039377.